The following is an entry in ClinVar:

NM_012293.3(PXDN):c.3742A>G (p.Arg1248Gly)

Gene: PXDN (peroxidasin; minus strand). Cytogenetic location: 2p25.3.
Variant type: single nucleotide variant.
Coding change: c.3742A>G on transcript NM_012293.3 (MANE Select); coding-DNA position 3742, A replaced by G.
Protein change: p.Arg1248Gly; replaces arginine 1248 with glycine.
Molecular consequence: missense variant.
Genome position (GRCh38, 1-based): chr2:1,644,619, T>C on the plus strand (A>G on the coding strand, the complement: PXDN is on the minus strand). VCF-style: chr2-1644619-T-C. GRCh37 (hg19) VCF-style: chr2-1648391-T-C.
Other names: short protein forms R1248G.
Identifiers: ClinVar variation 1333267 (VCV001333267.1), dbSNP rs2125407700, ClinGen allele CA345701431.
Genomic context (GRCh38, chr2:1,644,619, plus strand): 5'-CTGGAGTCCCTAAGAAGGTGGCTTAGGAGCGTGCTCCCCTTTCTGGTGCACGTGCTCACC[T>C]GTCCCCATCTCGCAGGCGCTTGAACTGTGTGCTGAGAAGACACATCAGGGTGGGGCCCAG-3'
Protein context (NP_036425.1, residues 1238-1258): TQFKRLRDGD[Arg1248Gly]LWYENPGVFS

ClinVar aggregate classification (germline): Uncertain significance (1 of 4 stars; one submission).

Conditions:
Anterior segment dysgenesis 7 (ASGD7). Also called: Anterior segment dysgenesis 7, with sclerocornea; SCLEROCORNEA WITH OTHER OCULAR ANOMALIES. Identifiers: Orphanet 289499, MedGen C3151617, MONDO:0010015, OMIM 269400.

Submission:

3billion
Classification: Uncertain significance for Anterior segment dysgenesis 7. Last evaluated: 2022-01-03. Review status: criteria provided, single submitter. Criteria: ACMG Guidelines, 2015. Collection method: clinical testing. Allele origin: germline. Affected: yes. Observed: 1 homozygote.
Comment: The variant not observed in the gnomAD v2.1.1 dataset (PM2_M). In silico tool predictions suggest damaging effect of the variant on gene or gene product (REVEL: 0.888, 3CNET: 0.895, PP3_P). Therefore, this variant is classified as uncertain significance according to the recommendation of ACMG/AMP guideline.